The following is an entry in ClinVar:

ClinVar aggregate classification (germline): Pathogenic (1 of 4 stars; one submission).

Conditions:
Dilated cardiomyopathy 1J (CMD1J). Also called: CARDIOMYOPATHY, DILATED, WITH SENSORINEURAL HEARING LOSS, AUTOSOMAL DOMINANT. Identifiers: Orphanet 217622, MedGen C1854368, MONDO:0011541, OMIM 605362.

Submission:

Labcorp Genetics (formerly Invitae), Labcorp
Classification: Pathogenic for Dilated cardiomyopathy 1J. Last evaluated: 2021-11-05. Review status: criteria provided, single submitter. Criteria: Invitae Variant Classification Sherloc (09022015). Collection method: clinical testing. Allele origin: germline.
Comment: For these reasons, this variant has been classified as Pathogenic. This variant disrupts a region of the EYA4 protein in which other variant(s) (p.Gly171Arg) have been determined to be pathogenic (PMID: 25961296). This suggests that this is a clinically significant region of the protein, and that variants that disrupt it are likely to be disease-causing. A similar copy number variant has been observed in individual(s) with clinical features of EYA4-related conditions (external communication). This variant is a gross deletion of the genomic region encompassing exon(s) 7-9 of the EYA4 gene. This variant would be expected to be in-frame, preserving the integrity of the reading frame.

Literature cited by the submitters: PubMed 25961296.

NC_000006.11:g.(?_133782232)_(133783922_?)del

Gene: EYA4 (EYA transcriptional coactivator and phosphatase 4; plus strand). Cytogenetic location: 6q23.2.
Variant type: Deletion.
Identifiers: ClinVar variation 2425022 (VCV002425022.4).